The following is an entry in ClinVar:

ClinVar aggregate classification (germline): Uncertain significance (1 of 4 stars; one submission).

Conditions:
Hypertrophic cardiomyopathy. Also called: HYPERTROPHIC MYOCARDIOPATHY. Identifiers: Orphanet 217569, MedGen C0007194, MeSH D002312, MONDO:0005045, HP:0001639.

gnomAD v4.1: 1 of 1,614,244 alleles (0.000062%); no homozygotes.

Submission:

Labcorp Genetics (formerly Invitae), Labcorp
Classification: Uncertain significance for Hypertrophic cardiomyopathy. Last evaluated: 2023-04-14. Review status: criteria provided, single submitter. Criteria: Invitae Variant Classification Sherloc (09022015). Collection method: clinical testing. Allele origin: germline.
Comment: This variant has not been reported in the literature in individuals affected with MYH7-related conditions. In summary, the available evidence is currently insufficient to determine the role of this variant in disease. Therefore, it has been classified as a Variant of Uncertain Significance. Advanced modeling of protein sequence and biophysical properties (such as structural, functional, and spatial information, amino acid conservation, physicochemical variation, residue mobility, and thermodynamic stability) performed at Invitae indicates that this missense variant is expected to disrupt MYH7 protein function. This variant is not present in population databases (gnomAD no frequency). This sequence change replaces arginine, which is basic and polar, with leucine, which is neutral and non-polar, at codon 941 of the MYH7 protein (p.Arg941Leu).

NM_000257.4(MYH7):c.2822G>T (p.Arg941Leu)

Gene: MYH7 (myosin heavy chain 7; minus strand). Cytogenetic location: 14q11.2.
Variant type: single nucleotide variant.
Coding change: c.2822G>T on transcript NM_000257.4 (MANE Select); coding-DNA position 2822, G replaced by T.
Protein change: p.Arg941Leu; replaces arginine 941 with leucine.
Molecular consequence: missense variant.
Genome position (GRCh38, 1-based): chr14:23,424,007, C>A on the plus strand (G>T on the coding strand, the complement: MYH7 is on the minus strand). VCF-style: chr14-23424007-C-A. GRCh37 (hg19) VCF-style: chr14-23893216-C-A.
Other names: c.2822G>T, p.Arg941Leu (NM_001407004.1); short protein forms R941L.
Identifiers: ClinVar variation 2856143 (VCV002856143.3), dbSNP rs765458590, ClinGen allele CA389046932.